The following is an entry in ClinVar:

ClinVar aggregate classification (germline): Uncertain significance (1 of 4 stars; one submission).

gnomAD v4.1: 7 of 1,613,950 alleles (0.00043%); highest among the groups gnomAD compares: Admixed American, 0.012%; no homozygotes.

Submission:

Mayo Clinic Laboratories, Mayo Clinic
Classification: Uncertain significance. Last evaluated: 2024-02-02. Review status: criteria provided, single submitter. Criteria: ACMG Guidelines, 2015. Collection method: clinical testing. Allele origin: germline. Observed: 1 variant allele.
Comment: BP4

NM_018006.5(TRMU):c.823G>C (p.Glu275Gln)

Gene: TRMU (tRNA mitochondrial 2-thiouridylase; plus strand). Cytogenetic location: 22q13.31.
Variant type: single nucleotide variant.
Coding change: c.823G>C on transcript NM_018006.5 (MANE Select); coding-DNA position 823, G replaced by C.
Protein change: p.Glu275Gln; replaces glutamic acid 275 with glutamine.
Molecular consequence: missense variant. On other transcripts: non-coding transcript variant (2).
Genome position (GRCh38, 1-based): chr22:46,353,817, G>C. VCF-style: chr22-46353817-G-C. GRCh37 (hg19) VCF-style: chr22-46749714-G-C.
Other names: p.Glu275Gln; c.481G>C, p.Glu161Gln (NM_001282782.2); c.403G>C, p.Glu135Gln (NM_001282783.2, NM_001282784.2); c.823G>C, p.Glu275Gln (NM_001282785.2); short protein forms E135Q, E161Q, E275Q.
Identifiers: ClinVar variation 3380729 (VCV003380729.1).